The following is an entry in ClinVar:

NM_001368809.2(AMPD2):c.2158G>T (p.Glu720Ter)

Gene: AMPD2 (adenosine monophosphate deaminase 2; plus strand). Cytogenetic location: 1p13.3.
Variant type: single nucleotide variant.
Coding change: c.2158G>T on transcript NM_001368809.2 (MANE Select); coding-DNA position 2158, G replaced by T.
Protein change: p.Glu720Ter; replaces glutamic acid 720 with a stop codon.
Molecular consequence: nonsense.
Genome position (GRCh38, 1-based): chr1:109,630,683, G>T. VCF-style: chr1-109630683-G-T. GRCh37 (hg19) VCF-style: chr1-110173305-G-T.
Other names: p.Glu720Ter; c.1966G>T, p.Glu656Ter (NM_001257361.2); c.2095G>T, p.Glu699Ter (NM_001308170.1); c.2158G>T, p.Glu720Ter (NM_004037.9); c.2077G>T, p.Glu693Ter (NM_139156.4); short protein forms E656*, E693*, E699*, E720*.
Identifiers: ClinVar variation 1704214 (VCV001704214.3), dbSNP rs2524431459, ClinGen allele CA341562771.

ClinVar aggregate classification (germline): Uncertain significance (1 of 4 stars; one submission).

Conditions:
Hereditary spastic paraplegia 63. Also called: Spastic paraplegia 63, autosomal recessive. Identifiers: Orphanet 401805, MedGen C3810295, MONDO:0014305, OMIM 615686.

Submission:

Foundation for Research in Genetics and Endocrinology, FRIGE's Institute of Human Genetics
Classification: Uncertain significance for Hereditary spastic paraplegia 63. Last evaluated: 2022-02-19. Review status: criteria provided, single submitter. Criteria: ACMG Guidelines, 2015. Collection method: clinical testing. Allele origin: germline. Inheritance: Autosomal recessive inheritance. Affected: yes. Observed: 1 homozygote.
Comment: A homozygous missense variation in exon 16 of the AMPD2 gene that results in the amino acid substitution of Phenylalanine for valine at codon 720 was detected. The observed variant c.2158G>T (p.Val720Phe) has not been reported in the 1000 genomes and gnomAD databases. The in silico prediction of the variant are possibly damaging by PolyPhen-2 (HumDiv). and The reference codon is conserved across species.